The following is an entry in ClinVar:

NM_000040.3(APOC3):c.28G>A (p.Ala10Thr)

Gene: APOC3 (apolipoprotein C3; plus strand). Cytogenetic location: 11q23.3.
Variant type: single nucleotide variant.
Coding change: c.28G>A on transcript NM_000040.3 (MANE Select); coding-DNA position 28, G replaced by A.
Protein change: p.Ala10Thr; replaces alanine 10 with threonine.
Molecular consequence: missense variant.
Genome position (GRCh38, 1-based): chr11:116,830,610, G>A. VCF-style: chr11-116830610-G-A. GRCh37 (hg19) VCF-style: chr11-116701326-G-A.
Other names: c.28G>A (NM_000040.1); short protein forms A10T.
Identifiers: ClinVar variation 3366506 (VCV003366506.3).

ClinVar aggregate classification (germline): Conflicting classifications of pathogenicity. Review status: criteria provided, conflicting classifications (1 of 4 stars). 3 submissions from 3 submitters: Uncertain significance (2); Likely benign (1). Last evaluated 2025-10-23.

Conditions:
Cardiovascular phenotype. Identifiers: MedGen CN230736.

gnomAD v4.1: 38 of 1,613,844 alleles (0.0024%); highest among the groups gnomAD compares: African/African-American, 0.044%; no homozygotes.

Submissions (3):

Labcorp Genetics (formerly Invitae), Labcorp
Classification: Uncertain significance. Last evaluated: 2025-10-23. Review status: criteria provided, single submitter. Criteria: Invitae Variant Classification Sherloc (09022015). Collection method: clinical testing. Allele origin: germline.
Comment: This sequence change replaces alanine, which is neutral and non-polar, with threonine, which is neutral and polar, at codon 10 of the APOC3 protein (p.Ala10Thr). This variant is present in population databases (rs150821374, gnomAD 0.06%), and has an allele count higher than expected for a pathogenic variant. This variant has not been reported in the literature in individuals affected with APOC3-related conditions. ClinVar contains an entry for this variant (Variation ID: 3366506). An algorithm developed to predict the effect of missense changes on protein structure and function outputs the following: PolyPhen-2: "Not Available". The threonine amino acid residue is found in multiple mammalian species, which suggests that this missense change does not adversely affect protein function. In summary, the available evidence is currently insufficient to determine the role of this variant in disease. Therefore, it has been classified as a Variant of Uncertain Significance.

Ambry Genetics
Classification: Uncertain significance for Cardiovascular phenotype. Last evaluated: 2024-09-18. Review status: criteria provided, single submitter. Criteria: Ambry Variant Classification Scheme 2023. Collection method: clinical testing. Allele origin: germline.
Comment: The p.A10T variant (also known as c.28G>A), located in coding exon 1 of the APOC3 gene, results from a G to A substitution at nucleotide position 28. The alanine at codon 10 is replaced by threonine, an amino acid with similar properties. This amino acid position is not well conserved in available vertebrate species. In addition, this alteration is predicted to be tolerated by in silico analysis. The evidence for this gene-disease relationship is limited; therefore, the clinical significance of this alteration is unclear.

Women's Health and Genetics/Laboratory Corporation of America, LabCorp
Classification: Likely benign. Last evaluated: 2024-08-05. Review status: criteria provided, single submitter. Criteria: LabCorp Variant Classification Summary - May 2015. Collection method: clinical testing. Allele origin: germline.
Comment: Variant summary: APOC3 c.28G>A (p.Ala10Thr) results in a non-conservative amino acid change in the encoded protein sequence. Four of five in-silico tools predict a benign effect of the variant on protein function. The variant allele was found at a frequency of 5.2e-05 in 251206 control chromosomes, predominantly at a frequency of 0.0008 within the African or African-American subpopulation in the gnomAD database. The observed variant frequency within African or African-American control individuals in the gnomAD database is approximately 40 fold of the estimated maximal expected allele frequency for a pathogenic variant in APOC3 causing Early Onset Coronary Artery Disease phenotype (2e-05). To our knowledge, no occurrence of c.28G>A in individuals affected with Early Onset Coronary Artery Disease and no experimental evidence demonstrating its impact on protein function have been reported. No submitters have cited clinical-significance assessments for this variant to ClinVar. Based on the evidence outlined above, the variant was classified as likely benign.